The following is an entry in ClinVar:

ClinVar aggregate classification (germline): Uncertain significance (1 of 4 stars; one submission).

Conditions:
Long QT syndrome (LQTS). Identifiers: MedGen C0023976, MeSH D008133, MONDO:0002442. Disease mechanism: loss of function. Inheritance: Various modes of inheritance.

Submission:

Labcorp Genetics (formerly Invitae), Labcorp
Classification: Uncertain significance for Long QT syndrome. Last evaluated: 2025-10-13. Review status: criteria provided, single submitter. Criteria: Invitae Variant Classification Sherloc (09022015). Collection method: clinical testing. Allele origin: germline.
Comment: This sequence change replaces lysine, which is basic and polar, with threonine, which is neutral and polar, at codon 69 of the CAV3 protein (p.Lys69Thr). This variant is not present in population databases (gnomAD no frequency). This variant has not been reported in the literature in individuals affected with CAV3-related conditions. An algorithm developed to predict the effect of missense changes on protein structure and function (PolyPhen-2) suggests that this variant is likely to be disruptive. In summary, the available evidence is currently insufficient to determine the role of this variant in disease. Therefore, it has been classified as a Variant of Uncertain Significance.

NM_033337.3(CAV3):c.206A>C (p.Lys69Thr)

Genes: CAV3 (caveolin 3; plus strand), OXTR (oxytocin receptor; minus strand). Cytogenetic location: 3p25.3.
Variant type: single nucleotide variant.
Coding change: c.206A>C on transcript NM_033337.3 (MANE Select); coding-DNA position 206, A replaced by C.
Protein change: p.Lys69Thr; replaces lysine 69 with threonine.
Molecular consequence: missense variant.
Genome position (GRCh38, 1-based): chr3:8,745,617, A>C. VCF-style: chr3-8745617-A-C. GRCh37 (hg19) VCF-style: chr3-8787303-A-C.
Other names: c.206A>C, p.Lys69Thr (NM_001234.5); short protein forms K69T.
Identifiers: ClinVar variation 4746949 (VCV004746949.1).